The following is an entry in ClinVar:

ClinVar aggregate classification (germline): Uncertain significance (1 of 4 stars; one submission).

Submission:

GeneDx
Classification: Uncertain significance. Last evaluated: 2024-08-07. Review status: criteria provided, single submitter. Criteria: GeneDx Variant Classification Process June 2021. Collection method: clinical testing. Allele origin: germline. Affected: yes.
Comment: Not observed at significant frequency in large population cohorts (gnomAD); In silico analysis supports that this missense variant has a deleterious effect on protein structure/function; Has not been previously published as pathogenic or benign to our knowledge

NM_001029896.2(WDR45):c.658T>C (p.Phe220Leu)

Gene: WDR45 (WD repeat domain 45; minus strand). Cytogenetic location: Xp11.23.
Variant type: single nucleotide variant.
Coding change: c.658T>C on transcript NM_001029896.2 (MANE Select); coding-DNA position 658, T replaced by C.
Protein change: p.Phe220Leu; replaces phenylalanine 220 with leucine.
Molecular consequence: missense variant.
Genome position (GRCh38, 1-based): chrX:49,075,612, A>G on the plus strand (T>C on the coding strand, the complement: WDR45 is on the minus strand). VCF-style: chrX-49075612-A-G. GRCh37 (hg19) VCF-style: chrX-48933271-A-G.
Other names: c.661T>C, p.Phe221Leu (NM_007075.4); short protein forms F220L, F221L.
Identifiers: ClinVar variation 3602846 (VCV003602846.1).